The following is an entry in ClinVar:

NM_000181.4(GUSB):c.1391+614_1391+615insTG

Gene: GUSB (glucuronidase beta; minus strand). Cytogenetic location: 7q11.21.
Variant type: Insertion.
Coding change: c.1391+614_1391+615insTG on transcript NM_000181.4 (MANE Select); bases 614 to 615 of the intron after coding-DNA position 1391, TG inserted.
Molecular consequence: intron variant.
Genome position: GRCh38 VCF-style: chr7-65973680-C-CCA. GRCh37 (hg19) VCF-style: chr7-65438667-C-CCA.
Other names: c.734+614_734+615insTG (NM_001293105.2); c.821+614_821+615insTG (NM_001293104.2); c.953+614_953+615insTG (NM_001284290.2).
Identifiers: ClinVar variation 4981009 (VCV004981009.1).
Genomic context (GRCh38, chr7:65,973,680, plus strand): 5'-GGTGGCATGTGCCTGTAATCCCAGCTACTCGGGAGGCTGAGGCTGGAGAATCACTTGAAC[C>CCA]TGAGCGGCAGAGGTTGCAGTGAGCTGAGATCATGCCCCTGCACTCCATCCTGGGCAATAG-3'

ClinVar aggregate classification (germline): Likely benign (1 of 4 stars; one submission).

Conditions:
GUSB-related disorder. Also called: GUSB-related condition.

Submission:

PreventionGenetics, part of Exact Sciences
Classification: Likely benign for GUSB-related condition. Last evaluated: 2025-09-10. Review status: criteria provided, single submitter. Criteria: ACMG Guidelines, 2015. Collection method: clinical testing. Allele origin: germline.
Comment: This variant is classified as likely benign based on ACMG/AMP sequence variant interpretation guidelines (Richards et al. 2015 PMID: 25741868, with internal and published modifications).